The following is an entry in ClinVar:

ClinVar aggregate classification (germline): Uncertain significance (1 of 4 stars; one submission).

Allele frequency attached by ClinVar (database versions not stated): gnomAD exomes below 0.00001; ExAC 0.00001.
gnomAD v4.1: 1 of 1,613,934 alleles (0.000062%); highest among the groups gnomAD compares: Non-Finnish European, 0.000085%; no homozygotes.

Submission:

Labcorp Genetics (formerly Invitae), Labcorp
Classification: Uncertain significance. Last evaluated: 2023-05-24. Review status: criteria provided, single submitter. Criteria: Invitae Variant Classification Sherloc (09022015). Collection method: clinical testing. Allele origin: germline.
Comment: In summary, the available evidence is currently insufficient to determine the role of this variant in disease. Therefore, it has been classified as a Variant of Uncertain Significance. Algorithms developed to predict the effect of missense changes on protein structure and function output the following: SIFT: "Not Available"; PolyPhen-2: "Benign"; Align-GVGD: "Not Available". The threonine amino acid residue is found in multiple mammalian species, which suggests that this missense change does not adversely affect protein function. This variant has not been reported in the literature in individuals affected with ERBIN-related conditions. This variant is present in population databases (rs758200440, gnomAD 0.0009%). This sequence change replaces isoleucine, which is neutral and non-polar, with threonine, which is neutral and polar, at codon 789 of the ERBIN protein (p.Ile789Thr).

NM_001253697.2(ERBIN):c.2366T>C (p.Ile789Thr)

Gene: ERBIN (erbb2 interacting protein; plus strand). Cytogenetic location: 5q12.3.
Variant type: single nucleotide variant.
Coding change: c.2366T>C on transcript NM_001253697.2 (MANE Select); coding-DNA position 2366, T replaced by C.
Protein change: p.Ile789Thr; replaces isoleucine 789 with threonine.
Molecular consequence: missense variant.
Genome position (GRCh38, 1-based): chr5:66,053,684, T>C. VCF-style: chr5-66053684-T-C. GRCh37 (hg19) VCF-style: chr5-65349512-T-C.
Other names: c.2366T>C, p.Ile789Thr (NM_001006600.3, NM_001253698.2, NM_001253699.2 and 1 more transcripts); c.2354T>C, p.Ile785Thr (NM_001253701.2); short protein forms I785T, I789T.
Identifiers: ClinVar variation 2893065 (VCV002893065.3), dbSNP rs758200440, ClinGen allele CA3286473.